The following is an entry in ClinVar:

NM_001330700.2(TOP2B):c.4271C>T (p.Ser1424Leu)

Gene: TOP2B (DNA topoisomerase II beta; minus strand). Cytogenetic location: 3p24.2.
Variant type: single nucleotide variant.
Coding change: c.4271C>T on transcript NM_001330700.2 (MANE Select); coding-DNA position 4271, C replaced by T.
Protein change: p.Ser1424Leu; replaces serine 1424 with leucine.
Molecular consequence: missense variant.
Genome position (GRCh38, 1-based): chr3:25,607,198, G>A on the plus strand (C>T on the coding strand, the complement: TOP2B is on the minus strand). VCF-style: chr3-25607198-G-A. GRCh37 (hg19) VCF-style: chr3-25648689-G-A.
Other names: c.4256C>T, p.Ser1419Leu (NM_001068.3); short protein forms S1419L, S1424L.
Identifiers: ClinVar variation 4719417 (VCV004719417.1).

ClinVar aggregate classification (germline): Uncertain significance (1 of 4 stars; one submission).

gnomAD v4.1: 1 of 1,612,822 alleles (0.000062%); highest among the groups gnomAD compares: Non-Finnish European, 0.000085%; no homozygotes.

Submission:

Labcorp Genetics (formerly Invitae), Labcorp
Classification: Uncertain significance. Last evaluated: 2025-05-12. Review status: criteria provided, single submitter. Criteria: Invitae Variant Classification Sherloc (09022015). Collection method: clinical testing. Allele origin: germline.
Comment: This sequence change replaces serine, which is neutral and polar, with leucine, which is neutral and non-polar, at codon 1419 of the TOP2B protein (p.Ser1419Leu). This variant is not present in population databases (gnomAD no frequency). This variant has not been reported in the literature in individuals affected with TOP2B-related conditions. An algorithm developed to predict the effect of missense changes on protein structure and function (PolyPhen-2) suggests that this variant is likely to be disruptive. In summary, the available evidence is currently insufficient to determine the role of this variant in disease. Therefore, it has been classified as a Variant of Uncertain Significance.